The following is an entry in ClinVar:

ClinVar aggregate classification (germline): Pathogenic (1 of 4 stars; one submission).

gnomAD v4.1: 1 of 1,613,168 alleles (0.000062%); highest among the groups gnomAD compares: Non-Finnish European, 0.000085%; no homozygotes.

Submissions (2):

Labcorp Genetics (formerly Invitae), Labcorp
Classification: Pathogenic. Last evaluated: 2024-12-09. Review status: criteria provided, single submitter. Criteria: Invitae Variant Classification Sherloc (09022015). Collection method: clinical testing. Allele origin: germline.
Comment: This sequence change creates a premature translational stop signal (p.Tyr729*) in the LZTR1 gene. It is expected to result in an absent or disrupted protein product. Loss-of-function variants in LZTR1 are known to be pathogenic (PMID: 24362817, 25335493, 25480913, 25795793, 29469822, 30368668, 30442762, 30442766, 30481304, 30859559). This variant is not present in population databases (gnomAD no frequency). This variant has not been reported in the literature in individuals affected with LZTR1-related conditions. For these reasons, this variant has been classified as Pathogenic.

Dr. Peter K. Rogan Lab, Western University
No classification provided (evidence only). Condition: Malignant tumor of urinary bladder. Review status: no classification provided. Collection method: in vitro. Allele origin: not applicable. Functional consequence: retained intron. Not counted in ClinVar's aggregate classification.

Literature cited by the submitters: PubMed 24362817 (cited by Labcorp Genetics (formerly Invitae), Labcorp); PubMed 25335493 (cited by Labcorp Genetics (formerly Invitae), Labcorp); PubMed 25480913 (cited by Labcorp Genetics (formerly Invitae), Labcorp); PubMed 25795793 (cited by Labcorp Genetics (formerly Invitae), Labcorp); PubMed 29469822 (cited by Labcorp Genetics (formerly Invitae), Labcorp); PubMed 30368668 (cited by Labcorp Genetics (formerly Invitae), Labcorp); PubMed 30442762 (cited by Labcorp Genetics (formerly Invitae), Labcorp); PubMed 30442766 (cited by Labcorp Genetics (formerly Invitae), Labcorp); PubMed 30481304 (cited by Labcorp Genetics (formerly Invitae), Labcorp); PubMed 30859559 (cited by Labcorp Genetics (formerly Invitae), Labcorp).

NM_006767.4(LZTR1):c.2187C>A (p.Tyr729Ter)

Gene: LZTR1 (leucine zipper like post translational regulator 1; plus strand). Cytogenetic location: 22q11.21.
Variant type: single nucleotide variant.
Coding change: c.2187C>A on transcript NM_006767.4 (MANE Select); coding-DNA position 2187, C replaced by A.
Protein change: p.Tyr729Ter; replaces tyrosine 729 with a stop codon.
Molecular consequence: nonsense.
Genome position (GRCh38, 1-based): chr22:20,996,080, C>A. VCF-style: chr22-20996080-C-A. GRCh37 (hg19) VCF-style: chr22-21350369-C-A.
Other names: short protein forms Y729*.
Identifiers: ClinVar variation 3707113 (VCV003707113.3).